The following is an entry in ClinVar:

ClinVar aggregate classification (germline): Uncertain significance. Review status: criteria provided, multiple submitters, no conflicts (2 of 4 stars). 2 submissions from 2 submitters: Uncertain significance (2). Last evaluated 2024-10-17.

Allele frequency attached by ClinVar (database versions not stated): gnomAD exomes below 0.00001.
gnomAD v4.1: 1 of 1,544,674 alleles (0.000065%); no homozygotes.

Submissions (2):

Labcorp Genetics (formerly Invitae), Labcorp
Classification: Uncertain significance. Last evaluated: 2024-10-17. Review status: criteria provided, single submitter. Criteria: Invitae Variant Classification Sherloc (09022015). Collection method: clinical testing. Allele origin: germline.
Comment: This sequence change replaces glutamic acid, which is acidic and polar, with alanine, which is neutral and non-polar, at codon 120 of the TERF2IP protein (p.Glu120Ala). This variant is not present in population databases (gnomAD no frequency). This variant has not been reported in the literature in individuals affected with TERF2IP-related conditions. ClinVar contains an entry for this variant (Variation ID: 1733038). An algorithm developed to predict the effect of missense changes on protein structure and function outputs the following: PolyPhen-2: "Benign". The alanine amino acid residue is found in multiple mammalian species, which suggests that this missense change does not adversely affect protein function. In summary, the available evidence is currently insufficient to determine the role of this variant in disease. Therefore, it has been classified as a Variant of Uncertain Significance.

Ambry Genetics
Classification: Uncertain significance. Last evaluated: 2024-06-13. Review status: criteria provided, single submitter. Criteria: Ambry Variant Classification Scheme 2023. Collection method: clinical testing. Allele origin: germline.
Comment: The p.E120A variant (also known as c.359A>C), located in coding exon 1 of the TERF2IP gene, results from an A to C substitution at nucleotide position 359. The glutamic acid at codon 120 is replaced by alanine, an amino acid with dissimilar properties. This amino acid position is conserved. In addition, this alteration is predicted to be tolerated by in silico analysis. Since supporting evidence is limited at this time, the clinical significance of this alteration remains unclear.

NM_018975.4(TERF2IP):c.359A>C (p.Glu120Ala)

Gene: TERF2IP (TERF2 interacting protein; plus strand). Cytogenetic location: 16q23.1.
Variant type: single nucleotide variant.
Coding change: c.359A>C on transcript NM_018975.4 (MANE Select); coding-DNA position 359, A replaced by C.
Protein change: p.Glu120Ala; replaces glutamic acid 120 with alanine.
Molecular consequence: missense variant. On other transcripts: non-coding transcript variant (1).
Genome position (GRCh38, 1-based): chr16:75,648,241, A>C. VCF-style: chr16-75648241-A-C. GRCh37 (hg19) VCF-style: chr16-75682139-A-C.
Other names: short protein forms E120A.
Identifiers: ClinVar variation 1733038 (VCV001733038.5), dbSNP rs2507073799, ClinGen allele CA396817736.